The following is an entry in ClinVar:

ClinVar aggregate classification (germline): Uncertain significance (1 of 4 stars; one submission).

Conditions:
GRN-related frontotemporal lobar degeneration with Tdp43 inclusions (FTD2). Also called: DEMENTIA, HEREDITARY DYSPHASIC DISINHIBITION; FRONTOTEMPORAL LOBAR DEGENERATION WITH UBIQUITIN-POSITIVE INCLUSIONS; FTLD-TDP, GRN-RELATED; GRN Frontotemporal Dementia; FRONTOTEMPORAL DEMENTIA WITH TDP43 INCLUSIONS, GRN-RELATED. Identifiers: Orphanet 100070, Orphanet 282, MedGen C1843792, MONDO:0011842, OMIM 607485. Disease mechanism: loss of function.

Allele frequency attached by ClinVar (database versions not stated): gnomAD exomes below 0.00001; gnomAD 0.00001.
gnomAD v4.1: 3 of 1,613,990 alleles (0.00019%); highest among the groups gnomAD compares: Non-Finnish European, 0.00025%; no homozygotes.

Submission:

Baylor Genetics
Classification: Uncertain significance for GRN-related frontotemporal lobar degeneration with Tdp43 inclusions. Last evaluated: 2020-02-13. Review status: criteria provided, single submitter. Criteria: ACMG Guidelines, 2015. Collection method: clinical testing. Allele origin: unknown. Affected: yes.
Comment: This variant was determined to be of uncertain significance according to ACMG Guidelines, 2015 [PMID:25741868].

NM_002087.4(GRN):c.38G>C (p.Gly13Ala)

Gene: GRN (granulin precursor; plus strand). Cytogenetic location: 17q21.31.
Variant type: single nucleotide variant.
Coding change: c.38G>C on transcript NM_002087.4 (MANE Select); coding-DNA position 38, G replaced by C.
Protein change: p.Gly13Ala; replaces glycine 13 with alanine.
Molecular consequence: missense variant.
Genome position (GRCh38, 1-based): chr17:44,349,202, G>C. VCF-style: chr17-44349202-G-C. GRCh37 (hg19) VCF-style: chr17-42426570-G-C.
Other names: short protein forms G13A.
Identifiers: ClinVar variation 1029556 (VCV001029556.1), dbSNP rs1457930333, ClinGen allele CA399759105.